The following is an entry in ClinVar:

NM_022716.4(PRRX1):c.142A>C (p.Met48Leu)

Gene: PRRX1 (paired related homeobox 1; plus strand). Cytogenetic location: 1q24.2.
Variant type: single nucleotide variant.
Coding change: c.142A>C on transcript NM_022716.4 (MANE Select); coding-DNA position 142, A replaced by C.
Protein change: p.Met48Leu; replaces methionine 48 with leucine.
Molecular consequence: missense variant.
Genome position (GRCh38, 1-based): chr1:170,664,360, A>C. VCF-style: chr1-170664360-A-C. GRCh37 (hg19) VCF-style: chr1-170633501-A-C.
Other names: c.142A>C, p.Met48Leu (NM_006902.5); short protein forms M48L.
Identifiers: ClinVar variation 3336352 (VCV003336352.1).
Genomic context (GRCh38, chr1:170,664,360, plus strand): 5'-CTGCAGGCGAAAAAGAACTTCTCCGTCAGTCACCTGCTAGACCTGGAGGAAGCCGGGGAC[A>C]TGGTGGCGGCACAGGCGGATGAGAACGTGGGCGAGGCTGGCCGGAGCCTGCTGGAGTCGC-3'
Protein context (NP_073207.1, residues 38-58): HLLDLEEAGD[Met48Leu]VAAQADENVG

ClinVar aggregate classification (germline): Uncertain significance (1 of 4 stars; one submission).

gnomAD v4.1: 1 of 1,613,846 alleles (0.000062%); highest among the groups gnomAD compares: African/African-American, 0.0013%; no homozygotes.

Submission:

Women's Health and Genetics/Laboratory Corporation of America, LabCorp
Classification: Uncertain significance. Last evaluated: 2024-05-28. Review status: criteria provided, single submitter. Criteria: LabCorp Variant Classification Summary - May 2015. Collection method: clinical testing. Allele origin: germline.
Comment: Variant summary: PRRX1 c.142A>C (p.Met48Leu) results in a conservative amino acid change in the encoded protein sequence. Four of five in-silico tools predict a benign effect of the variant on protein function. The variant was absent in 249812 control chromosomes. The available data on variant occurrences in the general population are insufficient to allow any conclusion about variant significance. To our knowledge, no occurrence of c.142A>C in individuals affected with Agnathia-Otocephaly Complex and no experimental evidence demonstrating its impact on protein function have been reported. No submitters have cited clinical-significance assessments for this variant to ClinVar. Based on the evidence outlined above, the variant was classified as uncertain significance.